The following is an entry in ClinVar:

NM_000179.3(MSH6):c.165T>G (p.Pro55=)

Gene: MSH6 (mutS homolog 6; plus strand). Cytogenetic location: 2p16.3.
Variant type: single nucleotide variant.
Coding change: c.165T>G on transcript NM_000179.3 (MANE Select); coding-DNA position 165, T replaced by G.
Protein change: p.Pro55=; no amino-acid change (proline 55 retained).
Molecular consequence: synonymous variant. On other transcripts: 5 prime UTR variant (1).
Genome position (GRCh38, 1-based): chr2:47,783,398, T>G. VCF-style: chr2-47783398-T-G. GRCh37 (hg19) VCF-style: chr2-48010537-T-G.
Other names: c.165T>G, p.Pro55= (NM_001281492.2); c.-572T>G (NM_001281493.2).
Identifiers: ClinVar variation 479871 (VCV000479871.19), dbSNP rs1553408290, ClinGen allele CA346734980.

ClinVar aggregate classification (germline): Benign/Likely benign. Review status: criteria provided, multiple submitters, no conflicts (2 of 4 stars). 7 submissions from 7 submitters: Benign (1); Likely benign (4). 2 of the submissions do not count toward it. Last evaluated 2025-03-04.

Conditions:
Lynch syndrome 5 (LYNCH5). Also called: Colorectal cancer, hereditary nonpolyposis, type 5; Hereditary non-polyposis colorectal cancer, type 5. Identifiers: Orphanet 144, MedGen C1833477, MONDO:0013710, OMIM 614350. Disease mechanism: loss of function.
Hereditary cancer-predisposing syndrome. Also called: Hereditary Cancer Syndrome; Neoplastic Syndromes, Hereditary; Tumor predisposition; Hereditary neoplastic syndrome. Identifiers: Orphanet 140162, MedGen C0027672, MeSH D009386, MONDO:0015356.

Submissions (7):

Center for Genomic Medicine, Rigshospitalet, Copenhagen University Hospital
Classification: Likely benign. Last evaluated: 2025-03-04. Review status: criteria provided, single submitter. Criteria: ACMG Guidelines, 2015. Collection method: clinical testing. Allele origin: germline.

Myriad Genetics, Inc.
Classification: Benign for Lynch syndrome 5. Last evaluated: 2024-12-17. Review status: criteria provided, single submitter. Criteria: Myriad Autosomal Dominant, Autosomal Recessive and X-Linked Classification Criteria (2023). Collection method: clinical testing. Allele origin: unknown.
Comment: This variant is considered benign. This variant is a silent/synonymous amino acid change and it is not expected to impact splicing.

PreventionGenetics, part of Exact Sciences
Classification: Likely benign. Last evaluated: 2017-09-22. Review status: criteria provided, single submitter. Criteria: ACMG Guidelines, 2015. Collection method: clinical testing. Allele origin: germline.

Ambry Genetics
Classification: Likely benign for Hereditary cancer-predisposing syndrome. Last evaluated: 2017-08-04. Review status: criteria provided, single submitter. Criteria: Ambry Variant Classification Scheme 2023. Collection method: clinical testing. Allele origin: germline.

Color Diagnostics, LLC DBA Color Health
Classification: Likely benign for Hereditary cancer-predisposing syndrome. Last evaluated: 2016-03-02. Review status: criteria provided, single submitter. Criteria: ACMG Guidelines, 2015. Collection method: clinical testing. Allele origin: germline.

Diagnostic Laboratory, Department of Genetics, University Medical Center Groningen
Classification: Likely benign. Review status: no assertion criteria provided. Collection method: clinical testing. Allele origin: germline. Affected: yes. Study: VKGL Data-share Consensus. Not counted in ClinVar's aggregate classification.

Joint Genome Diagnostic Labs from Nijmegen and Maastricht, Radboudumc and MUMC+
Classification: Likely benign. Review status: no assertion criteria provided. Collection method: clinical testing. Allele origin: germline. Affected: yes. Study: VKGL Data-share Consensus. Not counted in ClinVar's aggregate classification.